The following is an entry in ClinVar:

ClinVar aggregate classification (germline): Conflicting classifications of pathogenicity. Review status: criteria provided, conflicting classifications (1 of 4 stars). 2 submissions from 2 submitters: Uncertain significance (1); Likely benign (1). Last evaluated 2024-12-17.

Conditions:
Malignant hyperthermia, susceptibility to, 1 (MHS1). Also called: Anesthesia related hyperthermia; Malignant hyperpyrexia; Fulminating hyperpyrexia; Pharmacogenic myopathy; RYR1-Related Malignant Hyperthermia Susceptibility; Malignant hyperthermia suceptibility 1. Identifiers: Orphanet 423, MedGen C2930980, MONDO:0007783, OMIM 145600.
RYR1-related disorder. Also called: RYR1-related disorders; RYR1-related condition. Identifiers: MedGen CN239331.

Submissions (2):

Labcorp Genetics (formerly Invitae), Labcorp
Classification: Likely benign for RYR1-related disorder. Last evaluated: 2024-12-17. Review status: criteria provided, single submitter. Criteria: Invitae Variant Classification Sherloc (09022015). Collection method: clinical testing. Allele origin: germline.

Color Diagnostics, LLC DBA Color Health
Classification: Uncertain significance for Malignant hyperthermia, susceptibility to, 1. Last evaluated: 2024-11-13. Review status: criteria provided, single submitter. Criteria: ACMG Guidelines, 2015. Collection method: clinical testing. Allele origin: germline.
Comment: This variant is located in the RYR1 protein. To our knowledge, functional studies have not been reported for this variant. This variant has not been reported in individuals affected with RYR1-related disorders in the literature. This variant has been identified in 1/250764 chromosomes in the general population by the Genome Aggregation Database (gnomAD). The available evidence is insufficient to determine the role of this variant in disease conclusively. Therefore, this variant is classified as a Variant of Uncertain Significance.

NM_000540.3(RYR1):c.10467G>T (p.Ser3489=)

Gene: RYR1 (ryanodine receptor 1; plus strand). Cytogenetic location: 19q13.2.
Variant type: single nucleotide variant.
Coding change: c.10467G>T on transcript NM_000540.3 (MANE Select); coding-DNA position 10467, G replaced by T.
Protein change: p.Ser3489=; no amino-acid change (serine 3489 retained).
Molecular consequence: synonymous variant.
Genome position (GRCh38, 1-based): chr19:38,525,343, G>T. VCF-style: chr19-38525343-G-T. GRCh37 (hg19) VCF-style: chr19-39015983-G-T.
Other names: c.10452G>T, p.Ser3484= (NM_001042723.2).
Identifiers: ClinVar variation 3021618 (VCV003021618.4), dbSNP rs751798987, ClinGen allele CA507236363.